The following is an entry in ClinVar:

ClinVar aggregate classification (germline): Pathogenic. Review status: criteria provided, multiple submitters, no conflicts (2 of 4 stars). 3 submissions from 3 submitters: Pathogenic (3). Last evaluated 2025-01-03.

Conditions:
X-linked Alport syndrome (ATS1). Also called: NEPHROPATHY AND DEAFNESS, X-LINKED; COL4A5-Related Nephropathy. Identifiers: Orphanet 63, Orphanet 88917, MedGen C4746986, MONDO:0010520, OMIM 301050.

Submissions (3):

3billion
Classification: Pathogenic for X-linked Alport syndrome. Last evaluated: 2025-01-03. Review status: criteria provided, single submitter. Criteria: ACMG Guidelines, 2015. Collection method: clinical testing. Allele origin: germline. Affected: yes.
Comment: The variant is not observed in the gnomAD v4.1.0 dataset. Predicted Consequence/Location: Canonical splice site: predicted to alter splicing and result in a loss or disruption of normal protein function. Multiple pathogenic loss-of-function variants are reported downstream of the variant. In silico tools predict the variant to alter splicing and produce an abnormal transcript [SpliceAI: 0.99 (spliceogenicity >=0.2, non-spliceogenicity <0.1)]. The variant has been reported at least twice as pathogenic without evidence for the classification (ClinVar ID: VCV002419220 /PMID: 29959198). Therefore, this variant is classified as Pathogenic according to the recommendation of ACMG/AMP guideline.

Victorian Clinical Genetics Services, Murdoch Childrens Research Institute
Classification: Pathogenic for X-linked Alport syndrome. Last evaluated: 2024-10-10. Review status: criteria provided, single submitter. Criteria: ACMG Guidelines, 2015. Collection method: clinical testing. Allele origin: germline. Inheritance: X-linked dominant inheritance. Affected: yes.
Comment: Based on the classification scheme VCGS_Germline_v1.3.5, this variant is classified as Pathogenic. Following criteria are met: 0103 - Dominant negative and loss of function are known mechanisms of disease in this gene and are associated with X-linked Alport syndrome 1 (MIM#301050). Dominant negative is caused mostly by glycine substitutions that affect the conformation of the protein, and loss of function can be caused by either protein truncating or missense variants (PMID: 24046192, 12028435). (I) 0110 - This gene is associated with X-linked dominant disease. Males are typically more severely affected than females (PMID: 19965530). (I) 0115 - Variants in this gene are known to have variable expressivity. There is intrafamilial variability among affected carrier females, possibly due to variable X-inactivation (PMID: 14514738). (I) 0211 - Canonical splice site variant without proven consequence on splicing (no functional evidence available). Exon skipping has been suggested but data was not shown (PMID: 29959198). (SP) 0251 - This variant is heterozygous. (I) 0301 - Variant is absent from gnomAD (v2, v3 and v4). (SP) 0505 - Abnormal splicing is predicted by in silico tools and affected nucleotide is highly conserved. (SP) 0702 - Other splice site variants comparable to the one identified in this case have strong previous evidence for pathogenicity. c.3604+1G>T and c.3604+2T>C have each been reported once as pathogenic (LOVD), c.3604+2T>A has been reported once as pathogenic (ClinVar) and in an individual with Alport syndrome (PMID: 12105244). (SP) 0803 - This variant has limited previous evidence of pathogenicity in unrelated individuals. This variant has been reported once as pathogenic (ClinVar) and in an individual diagnosed with X-linked Alport syndrome (PMID: 29959198). (SP) 0905 - No published segregation evidence has been identified for this variant. (I) 1208 - Inheritance information for this variant is not currently available in this individual. (I) Legend: (SP) - Supporting pathogenic, (I) - Information, (SB) - Supporting benign

Labcorp Genetics (formerly Invitae), Labcorp
Classification: Pathogenic. Last evaluated: 2021-12-27. Review status: criteria provided, single submitter. Criteria: Invitae Variant Classification Sherloc (09022015). Collection method: clinical testing. Allele origin: germline.
Comment: This sequence change affects a donor splice site in intron 40 of the COL4A5 gene. RNA analysis indicates that disruption of this splice site induces altered splicing and likely results in a shortened protein product. This variant is not present in population databases (gnomAD no frequency). Disruption of this splice site has been observed in individual(s) with Alport syndrome (PMID: 2995919). Studies have shown that disruption of this splice site results in skipping of exon 40, but is expected to preserve the integrity of the reading-frame (PMID: 29959198). This variant disrupts the triple helix domain of COL4A5. Glycine residues within the Gly-Xaa-Yaa repeats of the triple helix domain are required for the structure and stability of fibrillar collagens (PMID: 7695699, 8218237, 19344236). In COL4A5, missense variants at these glycine residues are significantly enriched in individuals with disease (PMID: 23720012, 27627812) compared to the general population (ExAC). For these reasons, this variant has been classified as Pathogenic.

Literature cited by the submitters: PubMed 29959198 (cited by 3 submitters); PubMed 12028435 (cited by Victorian Clinical Genetics Services, Murdoch Childrens Research Institute); PubMed 12105244 (cited by Victorian Clinical Genetics Services, Murdoch Childrens Research Institute); PubMed 14514738 (cited by Victorian Clinical Genetics Services, Murdoch Childrens Research Institute); PubMed 19965530 (cited by Victorian Clinical Genetics Services, Murdoch Childrens Research Institute); PubMed 24046192 (cited by Victorian Clinical Genetics Services, Murdoch Childrens Research Institute); PubMed 2995919 (cited by Labcorp Genetics (formerly Invitae), Labcorp); PubMed 7695699 (cited by Labcorp Genetics (formerly Invitae), Labcorp); PubMed 8218237 (cited by Labcorp Genetics (formerly Invitae), Labcorp); PubMed 19344236 (cited by Labcorp Genetics (formerly Invitae), Labcorp); PubMed 23720012 (cited by Labcorp Genetics (formerly Invitae), Labcorp); PubMed 27627812 (cited by Labcorp Genetics (formerly Invitae), Labcorp).

NM_033380.3(COL4A5):c.3604+1G>A

Gene: COL4A5 (collagen type IV alpha 5 chain; plus strand). Cytogenetic location: Xq22.3.
Variant type: single nucleotide variant.
Coding change: c.3604+1G>A on transcript NM_033380.3 (MANE Select); the canonical splice donor site of the intron after coding-DNA position 3604, G replaced by A.
Molecular consequence: splice donor variant.
Genome position (GRCh38, 1-based): chrX:108,667,184, G>A. VCF-style: chrX-108667184-G-A. GRCh37 (hg19) VCF-style: chrX-107910414-G-A.
Other names: c.3604+1G>A (NM_000495.5, NM_033380.2).
Identifiers: ClinVar variation 2419220 (VCV002419220.9), dbSNP rs2524570014, ClinGen allele CA413848229.